The following is an entry in ClinVar:

ClinVar aggregate classification (germline): Uncertain significance (1 of 4 stars; one submission).

Submission:

Laboratorio de Genetica e Diagnostico Molecular, Hospital Israelita Albert Einstein
Classification: Uncertain significance. Last evaluated: 2021-04-06. Review status: criteria provided, single submitter. Criteria: ACMG Guidelines, 2015. Collection method: clinical testing. Allele origin: germline. Affected: yes.
Comment: ACMG classification criteria: PM2, PP2, BP4

NM_001330288.2(SMARCC2):c.2255A>C (p.Glu752Ala)

Gene: SMARCC2 (SWI/SNF related, matrix associated, actin dependent regulator of chromatin subfamily c member 2; minus strand). Cytogenetic location: 12q13.2.
Variant type: single nucleotide variant.
Coding change: c.2255A>C on transcript NM_001330288.2 (MANE Select); coding-DNA position 2255, A replaced by C.
Protein change: p.Glu752Ala; replaces glutamic acid 752 with alanine.
Molecular consequence: missense variant.
Genome position (GRCh38, 1-based): chr12:56,171,363, T>G on the plus strand (A>C on the coding strand, the complement: SMARCC2 is on the minus strand). VCF-style: chr12-56171363-T-G. GRCh37 (hg19) VCF-style: chr12-56565147-T-G.
Other names: c.2255A>C, p.Glu752Ala (NM_001130420.3, NM_139067.4); c.2162A>C, p.Glu721Ala (NM_003075.5); short protein forms E721A, E752A.
Identifiers: ClinVar variation 1691021 (VCV001691021.2), dbSNP rs1873918408, ClinGen allele CA385343982.